The following is an entry in ClinVar:

NM_002485.5(NBN):c.614T>C (p.Ile205Thr)

Gene: NBN (nibrin; minus strand). Cytogenetic location: 8q21.3.
Variant type: single nucleotide variant.
Coding change: c.614T>C on transcript NM_002485.5 (MANE Select); coding-DNA position 614, T replaced by C.
Protein change: p.Ile205Thr; replaces isoleucine 205 with threonine.
Molecular consequence: missense variant.
Genome position (GRCh38, 1-based): chr8:89,971,261, A>G on the plus strand (T>C on the coding strand, the complement: NBN is on the minus strand). VCF-style: chr8-89971261-A-G. GRCh37 (hg19) VCF-style: chr8-90983489-A-G.
Other names: c.368T>C, p.Ile123Thr (NM_001024688.3); short protein forms I205T, I123T.
Identifiers: ClinVar variation 186781 (VCV000186781.18), dbSNP rs786203215, ClinGen allele CA195851.
Genomic context (GRCh38, chr8:89,971,261, plus strand): 5'-TTCCCTTTGAAGATTTGTTTTCTTTCCTGCCGTCCTGACAGATCAACATTTTTACTTCCA[A>G]TAGATGGTTCATCAAGAGGTGGGTAAAAACTGTAAAAATAATTAAAGTATATTCTAATTA-3'
Protein context (NP_002476.2, residues 195-215): SFYPPLDEPS[Ile205Thr]GSKNVDLSGR

ClinVar aggregate classification (germline): Uncertain significance. Review status: criteria provided, multiple submitters, no conflicts (2 of 4 stars). 4 submissions from 4 submitters: Uncertain significance (4). Last evaluated 2023-12-20.

Conditions:
Hereditary cancer-predisposing syndrome. Also called: Hereditary Cancer Syndrome; Neoplastic Syndromes, Hereditary; Tumor predisposition; Hereditary neoplastic syndrome. Identifiers: Orphanet 140162, MedGen C0027672, MeSH D009386, MONDO:0015356.
Microcephaly, normal intelligence and immunodeficiency (NBS). Also called: IMMUNODEFICIENCY, MICROCEPHALY, AND CHROMOSOMAL INSTABILITY; SEEMANOVA SYNDROME II; Immunodeficiency, microcephaly with normal intelligence; Ataxia telangiectasia variant V1; Nijmegen breakage syndrome; Microcephaly with normal intelligence immunodeficiency and lymphoreticular malignancies. Identifiers: Orphanet 647, MedGen C0398791, MONDO:0009623, OMIM 251260.
Aplastic anemia. Identifiers: Orphanet 182040, Orphanet 88, MedGen C0002874, MONDO:0015909, OMIM 609135, HP:0001915.

Submissions (4):

Baylor Genetics
Classification: Uncertain significance for Aplastic anemia. Last evaluated: 2023-12-20. Review status: criteria provided, single submitter. Criteria: ACMG Guidelines, 2015. Collection method: clinical testing. Allele origin: unknown.

Labcorp Genetics (formerly Invitae), Labcorp
Classification: Uncertain significance for Microcephaly, normal intelligence and immunodeficiency. Last evaluated: 2022-07-23. Review status: criteria provided, single submitter. Criteria: Invitae Variant Classification Sherloc (09022015). Collection method: clinical testing. Allele origin: germline.
Comment: In summary, the available evidence is currently insufficient to determine the role of this variant in disease. Therefore, it has been classified as a Variant of Uncertain Significance. This sequence change replaces isoleucine, which is neutral and non-polar, with threonine, which is neutral and polar, at codon 205 of the NBN protein (p.Ile205Thr). This variant is not present in population databases (gnomAD no frequency). This variant has not been reported in the literature in individuals affected with NBN-related conditions. ClinVar contains an entry for this variant (Variation ID: 186781). Algorithms developed to predict the effect of missense changes on protein structure and function are either unavailable or do not agree on the potential impact of this missense change (SIFT: "Deleterious"; PolyPhen-2: "Probably Damaging"; Align-GVGD: "Class C0").

Genome-Nilou Lab
Classification: Uncertain significance for Microcephaly, normal intelligence and immunodeficiency. Last evaluated: 2021-11-07. Review status: criteria provided, single submitter. Criteria: ACMG Guidelines, 2015. Collection method: clinical testing. Allele origin: germline. Affected: no.

Ambry Genetics
Classification: Uncertain significance for Hereditary cancer-predisposing syndrome. Last evaluated: 2019-11-21. Review status: criteria provided, single submitter. Criteria: Ambry Variant Classification Scheme 2023. Collection method: clinical testing. Allele origin: germline.
Comment: The p.I205T variant (also known as c.614T>C), located in coding exon 6 of the NBN gene, results from a T to C substitution at nucleotide position 614. The isoleucine at codon 205 is replaced by threonine, an amino acid with some similar properties. This amino acid position is highly conserved in available vertebrate species. In addition, the in silico prediction for this alteration is inconclusive. Since supporting evidence is limited at this time, the clinical significance of this alteration remains unclear.